The following is an entry in ClinVar:

NM_001166114.2(PNPLA6):c.2185-15C>T

Gene: PNPLA6 (patatin like domain 6, lysophospholipase; plus strand). Cytogenetic location: 19p13.2.
Variant type: single nucleotide variant.
Coding change: c.2185-15C>T on transcript NM_001166114.2 (MANE Select); 15 bases into the intron before coding-DNA position 2185, C replaced by T.
Molecular consequence: intron variant.
Genome position (GRCh38, 1-based): chr19:7,551,347, C>T. VCF-style: chr19-7551347-C-T. GRCh37 (hg19) VCF-style: chr19-7616233-C-T.
Other names: c.2068-15C>T (NM_006702.5, NM_001166113.1); c.1990-15C>T (NM_001166112.2); c.2212-15C>T (NM_001166111.2).
Identifiers: ClinVar variation 389316 (VCV000389316.13), dbSNP rs780822241, ClinGen allele CA9140025.

ClinVar aggregate classification (germline): Conflicting classifications of pathogenicity. Review status: criteria provided, conflicting classifications (1 of 4 stars). 4 submissions from 4 submitters: Uncertain significance (1); Likely benign (3). Last evaluated 2025-12-31.

Conditions:
Hereditary spastic paraplegia 39 (SPG39). Also called: Spastic Paraplegia Type 39 (SPG39); SPASTIC PARAPLEGIA 39, AUTOSOMAL RECESSIVE. Identifiers: Orphanet 139480, MedGen C2677586, MONDO:0012787, OMIM 612020.

Allele frequency attached by ClinVar (database versions not stated): gnomAD 0.00003; TOPMed 0.00003; gnomAD exomes 0.00004 and 0.00005; ExAC 0.00003.
gnomAD v4.1: 76 of 1,613,348 alleles (0.0047%); highest among the groups gnomAD compares: Non-Finnish European, 0.0061%; no homozygotes.

Submissions (4):

Labcorp Genetics (formerly Invitae), Labcorp
Classification: Likely benign for Hereditary spastic paraplegia 39. Last evaluated: 2025-12-31. Review status: criteria provided, single submitter. Criteria: Invitae Variant Classification Sherloc (09022015). Collection method: clinical testing. Allele origin: germline.

Blueprint Genetics
Classification: Likely benign. Last evaluated: 2024-11-22. Review status: criteria provided, single submitter. Criteria: ACMG Guidelines, 2015. Collection method: clinical testing. Allele origin: germline.

Illumina Laboratory Services, Illumina
Classification: Uncertain significance for Hereditary spastic paraplegia 39. Last evaluated: 2018-01-12. Review status: criteria provided, single submitter. Criteria: ICSL Variant Classification Criteria 13 December 2019. Collection method: clinical testing. Allele origin: germline.

GeneDx
Classification: Likely benign. Last evaluated: 2016-09-16. Review status: criteria provided, single submitter. Criteria: GeneDx Variant Classification (06012015). Collection method: clinical testing. Allele origin: germline. Affected: yes.
Comment: This variant is considered likely benign or benign based on one or more of the following criteria: it is a conservative change, it occurs at a poorly conserved position in the protein, it is predicted to be benign by multiple in silico algorithms, and/or has population frequency not consistent with disease.